The following is an entry in ClinVar:

NM_000428.3(LTBP2):c.3330C>A (p.Asn1110Lys)

Gene: LTBP2 (latent transforming growth factor beta binding protein 2; minus strand). Cytogenetic location: 14q24.3.
Variant type: single nucleotide variant.
Coding change: c.3330C>A on transcript NM_000428.3 (MANE Select); coding-DNA position 3330, C replaced by A.
Protein change: p.Asn1110Lys; replaces asparagine 1110 with lysine.
Molecular consequence: missense variant.
Genome position (GRCh38, 1-based): chr14:74,509,311, G>T on the plus strand (C>A on the coding strand, the complement: LTBP2 is on the minus strand). VCF-style: chr14-74509311-G-T. GRCh37 (hg19) VCF-style: chr14-74976014-G-T.
Other names: short protein forms N1110K.
Identifiers: ClinVar variation 2023132 (VCV002023132.4), dbSNP rs1386503180, ClinGen allele CA390389264.

ClinVar aggregate classification (germline): Uncertain significance (1 of 4 stars; one submission).

Allele frequency attached by ClinVar (database versions not stated): gnomAD 0.00001.
gnomAD v4.1: 2 of 1,613,594 alleles (0.00012%); highest among the groups gnomAD compares: Non-Finnish European, 0.00017%; no homozygotes.

Submission:

Labcorp Genetics (formerly Invitae), Labcorp
Classification: Uncertain significance. Last evaluated: 2022-05-28. Review status: criteria provided, single submitter. Criteria: Invitae Variant Classification Sherloc (09022015). Collection method: clinical testing. Allele origin: germline.
Comment: In summary, the available evidence is currently insufficient to determine the role of this variant in disease. Therefore, it has been classified as a Variant of Uncertain Significance. Algorithms developed to predict the effect of missense changes on protein structure and function (SIFT, PolyPhen-2, Align-GVGD) all suggest that this variant is likely to be disruptive. This variant has not been reported in the literature in individuals affected with LTBP2-related conditions. This variant is present in population databases (no rsID available, gnomAD 0.007%). This sequence change replaces asparagine, which is neutral and polar, with lysine, which is basic and polar, at codon 1110 of the LTBP2 protein (p.Asn1110Lys).